The following is an entry in ClinVar:

ClinVar aggregate classification (germline): Uncertain significance (1 of 4 stars; one submission).

Submission:

Labcorp Genetics (formerly Invitae), Labcorp
Classification: Uncertain significance. Last evaluated: 2022-11-25. Review status: criteria provided, single submitter. Criteria: Invitae Variant Classification Sherloc (09022015). Collection method: clinical testing. Allele origin: germline.
Comment: In summary, the available evidence is currently insufficient to determine the role of this variant in disease. Therefore, it has been classified as a Variant of Uncertain Significance. This variant has not been reported in the literature in individuals affected with LAMA1-related conditions. Advanced modeling of protein sequence and biophysical properties (such as structural, functional, and spatial information, amino acid conservation, physicochemical variation, residue mobility, and thermodynamic stability) performed at Invitae indicates that this missense variant is not expected to disrupt LAMA1 protein function. This variant is not present in population databases (gnomAD no frequency). This sequence change replaces isoleucine, which is neutral and non-polar, with lysine, which is basic and polar, at codon 2004 of the LAMA1 protein (p.Ile2004Lys).

NM_005559.4(LAMA1):c.6011T>A (p.Ile2004Lys)

Gene: LAMA1 (laminin subunit alpha 1; minus strand). Cytogenetic location: 18p11.31.
Variant type: single nucleotide variant.
Coding change: c.6011T>A on transcript NM_005559.4 (MANE Select); coding-DNA position 6011, T replaced by A.
Protein change: p.Ile2004Lys; replaces isoleucine 2004 with lysine.
Molecular consequence: missense variant.
Genome position (GRCh38, 1-based): chr18:6,978,375, A>T on the plus strand (T>A on the coding strand, the complement: LAMA1 is on the minus strand). VCF-style: chr18-6978375-A-T. GRCh37 (hg19) VCF-style: chr18-6978374-A-T.
Other names: short protein forms I2004K.
Identifiers: ClinVar variation 1968995 (VCV001968995.5), dbSNP rs2510839834, ClinGen allele CA401832604.